The following is an entry in ClinVar:

ClinVar aggregate classification (germline): Pathogenic (1 of 4 stars; one submission).

Conditions:
Neurofibromatosis, type 1 (NF1). Also called: Peripheral type neurofibromatosis; Neurofibromatosis, type I; VON RECKLINGHAUSEN DISEASE; NEUROFIBROMATOSIS, TYPE I, SOMATIC. Identifiers: Orphanet 636, MedGen C0027831, MONDO:0018975, OMIM 162200. Disease mechanism: loss of function.

Submission:

Labcorp Genetics (formerly Invitae), Labcorp
Classification: Pathogenic for Neurofibromatosis, type 1. Last evaluated: 2019-03-13. Review status: criteria provided, single submitter. Criteria: Invitae Variant Classification Sherloc (09022015). Collection method: clinical testing. Allele origin: germline.
Comment: For these reasons, this variant has been classified as Pathogenic. Loss-of-function variants in NF1 are known to be pathogenic (PMID: 10712197, 23913538). This variant has not been reported in the literature in individuals with NF1-related conditions. This variant is not present in population databases (ExAC no frequency). This sequence change creates a premature translational stop signal (p.Val759Glyfs*7) in the NF1 gene. It is expected to result in an absent or disrupted protein product.

Literature cited by the submitters: PubMed 10712197; PubMed 23913538.

NM_001042492.3(NF1):c.2276_2280del (p.Val759fs)

Gene: NF1 (neurofibromin 1; plus strand). Cytogenetic location: 17q11.2.
Variant type: Deletion.
Coding change: c.2276_2280del on transcript NM_001042492.3 (MANE Select); coding-DNA positions 2276 to 2280, 5 bases deleted (TGATG; older notation c.2276_2280delTGATG).
Protein change: p.Val759fs; shifts the reading frame from valine 759.
Molecular consequence: frameshift variant.
Genome position (GRCh38, 1-based): chr17:31,227,242-31,227,246, TGATG deleted; deleting any 5 consecutive bases within chr17:31,227,241-31,227,246 gives the same sequence; the c. name uses the placement nearest the transcript's 3' end. VCF-style (leftmost placement, unchanged base first): chr17-31227240-AGTGAT-A. GRCh37 (hg19) VCF-style: chr17-29554258-AGTGAT-A.
Other names: c.2276_2280delTGATG, p.Val759Glyfs (NM_000267.4); short protein forms V759fs.
Identifiers: ClinVar variation 839187 (VCV000839187.6), dbSNP rs2067031065, ClinGen allele CA916080591.